The following is an entry in ClinVar:

ClinVar aggregate classification (germline): Pathogenic (1 of 4 stars; one submission).

Conditions:
CHARGE syndrome (CHARGE). Also called: Hittner Hirsch Kreh syndrome; CHARGE ASSOCIATION--COLOBOMA, HEART ANOMALY, CHOANAL ATRESIA, RETARDATION, GENITAL AND EAR ANOMALIES; Coloboma, heart anomaly, choanal atresia, retardation, genital and ear anomalies; CHARGE association; Hall-Hittner syndrome. Identifiers: Orphanet 138, MedGen C0265354, MONDO:0008965.

Submission:

Labcorp Genetics (formerly Invitae), Labcorp
Classification: Pathogenic for CHARGE syndrome. Last evaluated: 2023-07-22. Review status: criteria provided, single submitter. Criteria: Invitae Variant Classification Sherloc (09022015). Collection method: clinical testing. Allele origin: germline.
Comment: This sequence change creates a premature translational stop signal (p.Trp908*) in the CHD7 gene. It is expected to result in an absent or disrupted protein product. Loss-of-function variants in CHD7 are known to be pathogenic (PMID: 22461308, 25077900). This variant is not present in population databases (gnomAD no frequency). This premature translational stop signal has been observed in individual(s) with CHD7-related conditions (PMID: 26590800). ClinVar contains an entry for this variant (Variation ID: 2110847). For these reasons, this variant has been classified as Pathogenic.

Literature cited by the submitters: PubMed 22461308; PubMed 25077900; PubMed 26590800.

NM_017780.4(CHD7):c.2723G>A (p.Trp908Ter)

Gene: CHD7 (chromodomain helicase DNA binding protein 7; plus strand). Cytogenetic location: 8q12.2.
Variant type: single nucleotide variant.
Coding change: c.2723G>A on transcript NM_017780.4 (MANE Select); coding-DNA position 2723, G replaced by A.
Protein change: p.Trp908Ter; replaces tryptophan 908 with a stop codon.
Molecular consequence: nonsense. On other transcripts: intron variant (1).
Genome position (GRCh38, 1-based): chr8:60,821,815, G>A. VCF-style: chr8-60821815-G-A. GRCh37 (hg19) VCF-style: chr8-61734374-G-A.
Other names: c.1717-40414G>A (NM_001316690.1); short protein forms W908*.
Identifiers: ClinVar variation 2110847 (VCV002110847.4), dbSNP rs2487804678, ClinGen allele CA371307629.